The following is an entry in ClinVar:

NM_013254.4(TBK1):c.1675A>G (p.Met559Val)

Gene: TBK1 (TANK binding kinase 1; plus strand). Cytogenetic location: 12q14.2.
Variant type: single nucleotide variant.
Coding change: c.1675A>G on transcript NM_013254.4 (MANE Select); coding-DNA position 1675, A replaced by G.
Protein change: p.Met559Val; replaces methionine 559 with valine.
Molecular consequence: missense variant.
Genome position (GRCh38, 1-based): chr12:64,495,730, A>G. VCF-style: chr12-64495730-A-G. GRCh37 (hg19) VCF-style: chr12-64889510-A-G.
Other names: short protein forms M559V.
Identifiers: ClinVar variation 2869114 (VCV002869114.3), dbSNP rs2539534914, ClinGen allele CA385604601.

ClinVar aggregate classification (germline): Uncertain significance (1 of 4 stars; one submission).

Conditions:
Frontotemporal dementia and/or amyotrophic lateral sclerosis 4. Also called: FTDALS4. Identifiers: Orphanet 275872, MedGen C4225325, MONDO:0014641, OMIM 616439.

Submission:

Labcorp Genetics (formerly Invitae), Labcorp
Classification: Uncertain significance for Frontotemporal dementia and/or amyotrophic lateral sclerosis 4. Last evaluated: 2023-05-01. Review status: criteria provided, single submitter. Criteria: Invitae Variant Classification Sherloc (09022015). Collection method: clinical testing. Allele origin: germline.
Comment: This variant is not present in population databases (gnomAD no frequency). In summary, the available evidence is currently insufficient to determine the role of this variant in disease. Therefore, it has been classified as a Variant of Uncertain Significance. This variant disrupts the p.Met559 amino acid residue in TBK1. Other variant(s) that disrupt this residue have been observed in individuals with TBK1-related conditions (PMID: 25803835, 31748271, 34099552), which suggests that this may be a clinically significant amino acid residue. Advanced modeling of protein sequence and biophysical properties (such as structural, functional, and spatial information, amino acid conservation, physicochemical variation, residue mobility, and thermodynamic stability) performed at Invitae indicates that this missense variant is not expected to disrupt TBK1 protein function. This missense change has been observed in individual(s) with clinical features of amyotrophic lateral sclerosis (Invitae). This sequence change replaces methionine, which is neutral and non-polar, with valine, which is neutral and non-polar, at codon 559 of the TBK1 protein (p.Met559Val).

Literature cited by the submitters: PubMed 25803835; PubMed 31748271; PubMed 34099552.